The following is an entry in ClinVar:

NM_000363.5(TNNI3):c.245C>T (p.Pro82Leu)

Gene: TNNI3 (troponin I3, cardiac type; minus strand). Cytogenetic location: 19q13.42.
Variant type: single nucleotide variant.
Coding change: c.245C>T on transcript NM_000363.5 (MANE Select); coding-DNA position 245, C replaced by T.
Protein change: p.Pro82Leu; replaces proline 82 with leucine.
Molecular consequence: missense variant.
Genome position (GRCh38, 1-based): chr19:55,156,238, G>A on the plus strand (C>T on the coding strand, the complement: TNNI3 is on the minus strand). VCF-style: chr19-55156238-G-A. GRCh37 (hg19) VCF-style: chr19-55667606-G-A.
Other names: short protein forms P82L.
Identifiers: ClinVar variation 960223 (VCV000960223.9), dbSNP rs752503819, ClinGen allele CA407441724.

ClinVar aggregate classification (germline): Uncertain significance (1 of 4 stars; one submission).

Conditions:
Hypertrophic cardiomyopathy. Also called: HYPERTROPHIC MYOCARDIOPATHY. Identifiers: Orphanet 217569, MedGen C0007194, MeSH D002312, MONDO:0005045, HP:0001639.

Allele frequency attached by ClinVar (database versions not stated): TOPMed below 0.00001.

Submission:

Labcorp Genetics (formerly Invitae), Labcorp
Classification: Uncertain significance for Hypertrophic cardiomyopathy. Last evaluated: 2019-09-03. Review status: criteria provided, single submitter. Criteria: Invitae Variant Classification Sherloc (09022015). Collection method: clinical testing. Allele origin: germline.
Comment: This variant is not present in population databases (ExAC no frequency). In summary, the available evidence is currently insufficient to determine the role of this variant in disease. Therefore, it has been classified as a Variant of Uncertain Significance. Algorithms developed to predict the effect of missense changes on protein structure and function are either unavailable or do not agree on the potential impact of this missense change (SIFT: "Deleterious"; PolyPhen-2: "Possibly Damaging"; Align-GVGD: "Class C0"). This variant has not been reported in the literature in individuals with TNNI3-related conditions. This sequence change replaces proline with leucine at codon 82 of the TNNI3 protein (p.Pro82Leu). The proline residue is highly conserved and there is a moderate physicochemical difference between proline and leucine.